The following is an entry in ClinVar:

ClinVar aggregate classification (germline): Likely benign. Review status: criteria provided, multiple submitters, no conflicts (2 of 4 stars). 3 submissions from 3 submitters: Likely benign (3). Last evaluated 2025-05-17.

Conditions:
Hereditary cancer-predisposing syndrome. Also called: Tumor predisposition; Hereditary Cancer Syndrome; Hereditary neoplastic syndrome; Neoplastic Syndromes, Hereditary. Identifiers: Orphanet 140162, MedGen C0027672, MeSH D009386, MONDO:0015356.
Familial adenomatous polyposis 2. Also called: COLORECTAL ADENOMATOUS POLYPOSIS, AUTOSOMAL RECESSIVE; ADENOMAS, MULTIPLE COLORECTAL, AUTOSOMAL RECESSIVE; MYH-associated polyposis; FAP type 2; MUTYH-associated polyposis; MUTYH-related attenuated familial adenomatous polyposis. Identifiers: Orphanet 220460, Orphanet 247798, MedGen C3272841, MONDO:0012041, OMIM 608456.

Allele frequency attached by ClinVar (database versions not stated): gnomAD exomes below 0.00001; gnomAD 0.00001.
gnomAD v4.1: 2 of 1,614,006 alleles (0.00012%); highest among the groups gnomAD compares: African/African-American, 0.0027%; no homozygotes.

Submissions (3):

Labcorp Genetics (formerly Invitae), Labcorp
Classification: Likely benign for Familial adenomatous polyposis 2. Last evaluated: 2025-05-17. Review status: criteria provided, single submitter. Criteria: Invitae Variant Classification Sherloc (09022015). Collection method: clinical testing. Allele origin: germline.

All of Us Research Program, National Institutes of Health
Classification: Likely benign for Familial adenomatous polyposis 2. Last evaluated: 2024-03-28. Review status: criteria provided, single submitter. Criteria: ACMG Guidelines, 2015. Collection method: clinical testing. Allele origin: germline. Inheritance: Autosomal recessive inheritance. Observed: 1 variant allele, 1 heterozygote.
Comment: This study involves interpretation of variants in research participants for the purpose of population health screening. Participant phenotype was not available at the time of variant classification. Additional details can be found in publication PMID: 35346344, PMCID: PMC8962531

Ambry Genetics
Classification: Likely benign for Hereditary cancer-predisposing syndrome. Last evaluated: 2020-11-09. Review status: criteria provided, single submitter. Criteria: Ambry Variant Classification Scheme 2023. Collection method: clinical testing. Allele origin: germline.

NM_001048174.2(MUTYH):c.1014C>T (p.Pro338=)

Gene: MUTYH (mutY DNA glycosylase; minus strand). Cytogenetic location: 1p34.1.
Variant type: single nucleotide variant.
Coding change: c.1014C>T on transcript NM_001048174.2 (MANE Select); coding-DNA position 1014, C replaced by T.
Protein change: p.Pro338=; no amino-acid change (proline 338 retained).
Molecular consequence: synonymous variant. On other transcripts: non-coding transcript variant (2).
Genome position (GRCh38, 1-based): chr1:45,331,749, G>A on the plus strand (C>T on the coding strand, the complement: MUTYH is on the minus strand). VCF-style: chr1-45331749-G-A. GRCh37 (hg19) VCF-style: chr1-45797421-G-A.
Other names: c.1014C>T, p.Pro338= (NM_001048171.2, NM_001048173.2, NM_001293195.2); c.1017C>T, p.Pro339= (NM_001048172.2); c.1098C>T, p.Pro366= (NM_001128425.2); c.1059C>T, p.Pro353= (NM_001293190.2); c.1047C>T, p.Pro349= (NM_001293191.2); c.738C>T, p.Pro246= (NM_001293192.2, NM_001293196.2); c.669C>T, p.Pro223= (NM_001350650.2, NM_001350651.2); c.1089C>T, p.Pro363= (NM_012222.3).
Identifiers: ClinVar variation 1130767 (VCV001130767.12), dbSNP rs876658828, ClinGen allele CA417879755.